The following is an entry in ClinVar:

ClinVar aggregate classification (germline): Uncertain significance (1 of 4 stars; one submission).

Allele frequency attached by ClinVar (database versions not stated): ESP Exome Variant Server 0.00015.
gnomAD v4.1: 13 of 1,613,654 alleles (0.00081%); highest among the groups gnomAD compares: African/African-American, 0.0013%; no homozygotes.

Submission:

Labcorp Genetics (formerly Invitae), Labcorp
Classification: Uncertain significance. Last evaluated: 2022-05-12. Review status: criteria provided, single submitter. Criteria: Invitae Variant Classification Sherloc (09022015). Collection method: clinical testing. Allele origin: germline.
Comment: This sequence change replaces serine, which is neutral and polar, with threonine, which is neutral and polar, at codon 168 of the C17orf62 protein (p.Ser168Thr). This variant is present in population databases (rs368239776, gnomAD 0.003%). This variant has not been reported in the literature in individuals affected with C17orf62-related conditions. Algorithms developed to predict the effect of missense changes on protein structure and function (SIFT, PolyPhen-2, Align-GVGD) all suggest that this variant is likely to be tolerated. In summary, the available evidence is currently insufficient to determine the role of this variant in disease. Therefore, it has been classified as a Variant of Uncertain Significance.

NM_001033046.4(CYBC1):c.503G>C (p.Ser168Thr)

Gene: CYBC1 (cytochrome b-245 chaperone 1; minus strand). Cytogenetic location: 17q25.3.
Variant type: single nucleotide variant.
Coding change: c.503G>C on transcript NM_001033046.4 (MANE Select); coding-DNA position 503, G replaced by C.
Protein change: p.Ser168Thr; replaces serine 168 with threonine.
Molecular consequence: missense variant. On other transcripts: non-coding transcript variant (4).
Genome position (GRCh38, 1-based): chr17:82,444,065, C>G on the plus strand (G>C on the coding strand, the complement: CYBC1 is on the minus strand). VCF-style: chr17-82444065-C-G. GRCh37 (hg19) VCF-style: chr17-80401941-C-G.
Other names: c.503G>C, p.Ser168Thr (NM_001100407.3, NM_001193653.2, NM_001193654.2 and 2 more transcripts); c.461G>C, p.Ser154Thr (NM_001100408.3); short protein forms S168T, S154T.
Identifiers: ClinVar variation 1946823 (VCV001946823.2), dbSNP rs368239776, ClinGen allele CA8858157.
Genomic context (GRCh38, chr17:82,444,065, plus strand): 5'-CAGCTCTGGCTTGCAGGGTCACCGGCCTCACTGTCGCTGCTCTGAGACAGCTCTGTGGGG[C>G]TCTCAAGGCAGTGCAGCTCCAGGAAGCTGGTGATGAGCTTGGCGATGGCTTCCACATCAC-3'
Protein context (NP_001028218.1, residues 158-178): TSFLELHCLE[Ser168Thr]PTELSQSSDS